The following is an entry in ClinVar:

ClinVar aggregate classification (germline): Uncertain significance. Review status: criteria provided, multiple submitters, no conflicts (2 of 4 stars). 3 submissions from 3 submitters: Uncertain significance (3). Last evaluated 2024-06-06.

Conditions:
Brugada syndrome 8 (BRGDA8). Identifiers: Orphanet 130, MedGen C2751083, MONDO:0013148, OMIM 613123.
Sick sinus syndrome 2, autosomal dominant (SSS2). Also called: ATRIAL FIBRILLATION WITH BRADYARRHYTHMIA; SINUS BRADYCARDIA SYNDROME, FAMILIAL, AUTOSOMAL DOMINANT; SINUS NODE DISEASE, FAMILIAL, AUTOSOMAL DOMINANT; SICK SINUS SYNDROME 2; SICK SINUS SYNDROME 2 WITH OR WITHOUT CARDIAC NONCOMPACTION AND/OR ASCENDING AORTA DILATION. Identifiers: Orphanet 166282, MedGen C1834144, MONDO:0008102, OMIM 163800.
Epilepsy, idiopathic generalized, susceptibility to, 18. Identifiers: MedGen C5561983, MONDO:0030434, OMIM 619521.

Submissions (3):

Fulgent Genetics
Classification: Uncertain significance for Sick sinus syndrome 2, autosomal dominant; Brugada syndrome 8; Epilepsy, idiopathic generalized, susceptibility to, 18. Last evaluated: 2024-06-06. Review status: criteria provided, single submitter. Criteria: ACMG Guidelines, 2015. Collection method: clinical testing. Allele origin: germline.

Labcorp Genetics (formerly Invitae), Labcorp
Classification: Uncertain significance for Brugada syndrome 8. Last evaluated: 2024-02-07. Review status: criteria provided, single submitter. Criteria: Invitae Variant Classification Sherloc (09022015). Collection method: clinical testing. Allele origin: germline.
Comment: This sequence change creates a premature translational stop signal (p.Ala948Profs*37) in the HCN4 gene. While this is not anticipated to result in nonsense mediated decay, it is expected to disrupt the last 256 amino acid(s) of the HCN4 protein. The frequency data for this variant in the population databases is considered unreliable, as metrics indicate poor data quality at this position in the gnomAD database. This variant has not been reported in the literature in individuals affected with HCN4-related conditions. ClinVar contains an entry for this variant (Variation ID: 1405518). Experimental studies and prediction algorithms are not available or were not evaluated, and the functional significance of this variant is currently unknown. In summary, the available evidence is currently insufficient to determine the role of this variant in disease. Therefore, it has been classified as a Variant of Uncertain Significance.

Blueprint Genetics
Classification: Uncertain significance. Last evaluated: 2020-07-02. Review status: criteria provided, single submitter. Criteria: ACMG Guidelines, 2015. Collection method: clinical testing. Allele origin: germline.

NM_005477.3(HCN4):c.2842del (p.Ala948fs)

Gene: HCN4 (hyperpolarization activated cyclic nucleotide gated potassium channel 4; minus strand). Cytogenetic location: 15q24.1.
Variant type: Deletion.
Coding change: c.2842del on transcript NM_005477.3 (MANE Select); coding-DNA position 2842, one base deleted (G; older notation c.2842delG).
Protein change: p.Ala948fs; shifts the reading frame from alanine 948.
Molecular consequence: frameshift variant.
Genome position (GRCh38, 1-based): chr15:73,323,251, C deleted on the plus strand (G on the coding strand, the reverse complement: HCN4 is on the minus strand); the first of 4 consecutive C bases (chr15:73,323,251-73,323,254); deleting any one gives the same sequence. VCF-style (leftmost placement, unchanged base first): chr15-73323250-GC-G. GRCh37 (hg19) VCF-style: chr15-73615591-GC-G.
Other names: short protein forms A948fs.
Identifiers: ClinVar variation 1405518 (VCV001405518.8), dbSNP rs1275052772, ClinGen allele CA619410580.